The following is an entry in ClinVar:

NM_024678.6(NARS2):c.239G>C (p.Gly80Ala)

Gene: NARS2 (asparaginyl-tRNA synthetase 2, mitochondrial; minus strand). Cytogenetic location: 11q14.1.
Variant type: single nucleotide variant.
Coding change: c.239G>C on transcript NM_024678.6 (MANE Select); coding-DNA position 239, G replaced by C.
Protein change: p.Gly80Ala; replaces glycine 80 with alanine.
Molecular consequence: missense variant. On other transcripts: 5 prime UTR variant (1).
Genome position (GRCh38, 1-based): chr11:78,571,347, C>G on the plus strand (G>C on the coding strand, the complement: NARS2 is on the minus strand). VCF-style: chr11-78571347-C-G. GRCh37 (hg19) VCF-style: chr11-78282392-C-G.
Other names: c.-443G>C (NM_001243251.2); short protein forms G80A.
Identifiers: ClinVar variation 2094960 (VCV002094960.4), dbSNP rs1428722575, ClinGen allele CA382180404.
Genomic context (GRCh38, chr11:78,571,347, plus strand): 5'-GAGGTGAAAAACAAAAATCAAAGAATTCTTTTAAAAAACAAAACTCACCTACTGTCAAGG[C>G]CTGAATCTGCAACAACCTGAAGGCTTTCCAAAGATGACCCATCATTTACATGCAGGAACA-3'
Protein context (NP_078954.4, residues 70-90): LESLQVVADS[Gly80Ala]LDSRELNFGS

ClinVar aggregate classification (germline): Uncertain significance (1 of 4 stars; one submission).

gnomAD v4.1: 1 of 1,611,496 alleles (0.000062%); highest among the groups gnomAD compares: Non-Finnish European, 0.000085%; no homozygotes.

Submission:

Labcorp Genetics (formerly Invitae), Labcorp
Classification: Uncertain significance. Last evaluated: 2024-10-15. Review status: criteria provided, single submitter. Criteria: Invitae Variant Classification Sherloc (09022015). Collection method: clinical testing. Allele origin: germline.
Comment: This sequence change replaces glycine, which is neutral and non-polar, with alanine, which is neutral and non-polar, at codon 80 of the NARS2 protein (p.Gly80Ala). This variant is not present in population databases (gnomAD no frequency). This variant has not been reported in the literature in individuals affected with NARS2-related conditions. ClinVar contains an entry for this variant (Variation ID: 2094960). Invitae Evidence Modeling of protein sequence and biophysical properties (such as structural, functional, and spatial information, amino acid conservation, physicochemical variation, residue mobility, and thermodynamic stability) indicates that this missense variant is not expected to disrupt NARS2 protein function with a negative predictive value of 80%. In summary, the available evidence is currently insufficient to determine the role of this variant in disease. Therefore, it has been classified as a Variant of Uncertain Significance.